The following is an entry in ClinVar:

ClinVar aggregate classification (germline): Uncertain significance (1 of 4 stars; one submission).

Allele frequency attached by ClinVar (database versions not stated): gnomAD exomes below 0.00001.

Submission:

Labcorp Genetics (formerly Invitae), Labcorp
Classification: Uncertain significance. Last evaluated: 2023-04-25. Review status: criteria provided, single submitter. Criteria: Invitae Variant Classification Sherloc (09022015). Collection method: clinical testing. Allele origin: germline.
Comment: This variant has not been reported in the literature in individuals affected with FAT2-related conditions. ClinVar contains an entry for this variant (Variation ID: 2026682). In summary, the available evidence is currently insufficient to determine the role of this variant in disease. Therefore, it has been classified as a Variant of Uncertain Significance. This sequence change creates a premature translational stop signal (p.Asn4112Glnfs*16) in the FAT2 gene. It is expected to result in an absent or disrupted protein product. However, the current clinical and genetic evidence is not sufficient to establish whether loss-of-function variants in FAT2 cause disease. This variant is not present in population databases (gnomAD no frequency).

NM_001447.3(FAT2):c.12333dup (p.Asn4112fs)

Genes: SLC36A1 (solute carrier family 36 member 1; plus strand), FAT2 (FAT atypical cadherin 2; minus strand). Cytogenetic location: 5q33.1.
Variant type: Duplication.
Coding change: c.12333dup on transcript NM_001447.3 (MANE Select); coding-DNA position 12333, one base duplicated (C; older notation c.12333dupC).
Protein change: p.Asn4112fs; shifts the reading frame from asparagine 4112.
Molecular consequence: frameshift variant.
Genome position (GRCh38, 1-based): chr5:151,507,338, G duplicated on the plus strand (C on the coding strand, the reverse complement: FAT2 is on the minus strand). VCF-style (leftmost placement, unchanged base first): chr5-151507337-T-TG. GRCh37 (hg19) VCF-style: chr5-150886898-T-TG.
Other names: short protein forms N4112fs.
Identifiers: ClinVar variation 2026682 (VCV002026682.4), dbSNP rs770681196, ClinGen allele CA129918531.